The following is an entry in ClinVar:

ClinVar aggregate classification (germline): Uncertain significance (1 of 4 stars; one submission).

gnomAD v4.1: 47 of 1,613,764 alleles (0.0029%); highest among the groups gnomAD compares: Non-Finnish European, 0.0036%; no homozygotes.

Submission:

Women's Health and Genetics/Laboratory Corporation of America, LabCorp
Classification: Uncertain significance. Last evaluated: 2026-05-27. Review status: criteria provided, single submitter. Criteria: LabCorp Variant Classification Summary - May 2015. Collection method: clinical testing. Allele origin: germline.
Comment: Variant summary: CRLF1 c.1019G>A (p.Arg340His) results in a non-conservative amino acid change in the encoded protein sequence. Algorithms developed to predict the effect of missense changes on protein structure and function are either unavailable or do not agree on the potential impact of this missense change. The variant allele was found at a frequency of 1.2e-05 in 249520 control chromosomes. The available data on variant occurrences in the general population are insufficient to allow any conclusion about variant significance. To our knowledge, no occurrence of c.1019G>A in individuals affected with CRLF1-related conditions and no experimental evidence demonstrating its impact on protein function have been reported. No submitters have cited clinical-significance assessments for this variant to ClinVar. Based on the evidence outlined above, the variant was classified as uncertain significance.

NM_004750.5(CRLF1):c.1019G>A (p.Arg340His)

Gene: CRLF1 (cytokine receptor like factor 1; minus strand). Cytogenetic location: 19p13.11.
Variant type: single nucleotide variant.
Coding change: c.1019G>A on transcript NM_004750.5 (MANE Select); coding-DNA position 1019, G replaced by A.
Protein change: p.Arg340His; replaces arginine 340 with histidine.
Molecular consequence: missense variant.
Genome position (GRCh38, 1-based): chr19:18,596,627, C>T on the plus strand (G>A on the coding strand, the complement: CRLF1 is on the minus strand). VCF-style: chr19-18596627-C-T. GRCh37 (hg19) VCF-style: chr19-18707437-C-T.
Other names: short protein forms R340H.
Identifiers: ClinVar variation 4853484 (VCV004853484.1).
Genomic context (GRCh38, chr19:18,596,627, plus strand): 5'-CTCTAGCTGGTTTCGGACTGGCCGCTGGATCACCCAGCCCTAGGAGGGTGCTCACCACTG[C>T]GGGGAGTGGAGGCGGCTGTGGGGTGGCTCCACTCACTCCAGATCCCGGCTTTCTTGGAGC-3'
Protein context (NP_004741.1, residues 330-350): WSHPTAASTP[Arg340His]SERPGPGGGA